The following is an entry in ClinVar:

ClinVar aggregate classification (germline): Conflicting classifications of pathogenicity. Review status: criteria provided, conflicting classifications (1 of 4 stars). 2 submissions from 2 submitters: Likely pathogenic (1); Uncertain significance (1). Last evaluated 2025-12-01.

Conditions:
Supravalvar aortic stenosis (SVAS). Also called: Supravalvar aortic stenosis, Eisenberg type. Identifiers: Orphanet 3193, MedGen C0003499, MONDO:0008504, OMIM 185500, HP:0004381.

Submissions (2):

Labcorp Genetics (formerly Invitae), Labcorp
Classification: Likely pathogenic for Supravalvar aortic stenosis. Last evaluated: 2025-12-01. Review status: criteria provided, single submitter. Criteria: Invitae Variant Classification Sherloc (09022015). Collection method: clinical testing. Allele origin: germline.
Comment: This sequence change affects a donor splice site in intron 21 of the ELN gene. It is expected to disrupt RNA splicing. Variants that disrupt the donor or acceptor splice site typically lead to a loss of protein function (PMID: 16199547), and loss-of-function variants in ELN are known to be pathogenic (PMID: 11175284). This variant is not present in population databases (gnomAD no frequency). This variant has not been reported in the literature in individuals affected with ELN-related conditions. ClinVar contains an entry for this variant (Variation ID: 2580221). Algorithms developed to predict the effect of sequence changes on RNA splicing suggest that this variant may disrupt the consensus splice site. In summary, the currently available evidence indicates that the variant is pathogenic, but additional data are needed to prove that conclusively. Therefore, this variant has been classified as Likely Pathogenic.

Illumina Laboratory Services, Illumina
Classification: Uncertain significance for Supravalvar aortic stenosis. Last evaluated: 2023-04-26. Review status: criteria provided, single submitter. Criteria: ICSLVariantClassificationCriteria RUGD 01 April 2020. Collection method: clinical testing. Allele origin: unknown.
Comment: The ELN c.1357+1G>A variant occurs at the consensus splice donor site and may result in splicing defects. To our knowledge, the c.1357+1G>A variant has not been reported in the peer-reviewed literature. This variant is not observed in version 2.1.1 or version 3.1.2 of the Genome Aggregation Database. Based on the available evidence, the c.1357+1G>A variant is classified as a variant of uncertain significance for supravalvar aortic stenosis.

Literature cited by the submitters: PubMed 16199547 (cited by Labcorp Genetics (formerly Invitae), Labcorp); PubMed 11175284 (cited by Labcorp Genetics (formerly Invitae), Labcorp).

NM_000501.4(ELN):c.1357+1G>A

Gene: ELN (elastin; plus strand). Cytogenetic location: 7q11.23.
Variant type: single nucleotide variant.
Coding change: c.1357+1G>A on transcript NM_000501.4 (MANE Select); the canonical splice donor site of the intron after coding-DNA position 1357, G replaced by A.
Molecular consequence: splice donor variant.
Genome position (GRCh38, 1-based): chr7:74,056,714, G>A. VCF-style: chr7-74056714-G-A. GRCh37 (hg19) VCF-style: chr7-73471044-G-A.
Other names: c.1372+1G>A (NM_001081754.3, NM_001081753.3); c.1357+1G>A (NM_001278939.2, NM_001278915.2, NM_001278912.2 and 1 more transcripts); c.1315+1G>A (NM_001278916.2); c.1171+1G>A (NM_001278913.2); c.1342+1G>A (NM_001278914.2); c.1327+1G>A (NM_001278917.2, NM_001081752.3); c.1147+1G>A (NM_001278918.2).
Identifiers: ClinVar variation 2580221 (VCV002580221.2), dbSNP rs1554680190, ClinGen allele CA367882100.